The following is an entry in ClinVar:

ClinVar aggregate classification (germline): Uncertain significance (1 of 4 stars; one submission).

Conditions:
Neurofibromatosis, type 1 (NF1). Also called: Peripheral type neurofibromatosis; VON RECKLINGHAUSEN DISEASE; NEUROFIBROMATOSIS, TYPE I, SOMATIC; Neurofibromatosis, type I. Identifiers: Orphanet 636, MedGen C0027831, MONDO:0018975, OMIM 162200. Disease mechanism: loss of function.

Submission:

Labcorp Genetics (formerly Invitae), Labcorp
Classification: Uncertain significance for Neurofibromatosis, type 1. Last evaluated: 2023-12-30. Review status: criteria provided, single submitter. Criteria: Invitae Variant Classification Sherloc (09022015). Collection method: clinical testing. Allele origin: germline.
Comment: This sequence change replaces cysteine, which is neutral and slightly polar, with phenylalanine, which is neutral and non-polar, at codon 1288 of the NF1 protein (p.Cys1288Phe). This variant is not present in population databases (gnomAD no frequency). This variant has not been reported in the literature in individuals affected with NF1-related conditions. Advanced modeling of protein sequence and biophysical properties (such as structural, functional, and spatial information, amino acid conservation, physicochemical variation, residue mobility, and thermodynamic stability) has been performed at Invitae for this missense variant, however the output from this modeling did not meet the statistical confidence thresholds required to predict the impact of this variant on NF1 protein function. In summary, the available evidence is currently insufficient to determine the role of this variant in disease. Therefore, it has been classified as a Variant of Uncertain Significance.

NM_001042492.3(NF1):c.3863G>T (p.Cys1288Phe)

Gene: NF1 (neurofibromin 1; plus strand). Cytogenetic location: 17q11.2.
Variant type: single nucleotide variant.
Coding change: c.3863G>T on transcript NM_001042492.3 (MANE Select); coding-DNA position 3863, G replaced by T.
Protein change: p.Cys1288Phe; replaces cysteine 1288 with phenylalanine.
Molecular consequence: missense variant.
Genome position (GRCh38, 1-based): chr17:31,235,765, G>T. VCF-style: chr17-31235765-G-T. GRCh37 (hg19) VCF-style: chr17-29562783-G-T.
Other names: c.3863G>T, p.Cys1288Phe (NM_000267.4); short protein forms C1288F.
Identifiers: ClinVar variation 2706327 (VCV002706327.3), dbSNP rs1597722661, ClinGen allele CA398992903.